The following is an entry in ClinVar:

ClinVar aggregate classification (germline): Likely pathogenic. Review status: criteria provided, multiple submitters, no conflicts (2 of 4 stars). 4 submissions from 4 submitters: Likely pathogenic (3). 1 of the submissions does not count toward it. Last evaluated 2026-03-31.

Conditions:
Hereditary cancer-predisposing syndrome. Also called: Tumor predisposition; Hereditary neoplastic syndrome; Neoplastic Syndromes, Hereditary; Hereditary Cancer Syndrome. Identifiers: Orphanet 140162, MedGen C0027672, MeSH D009386, MONDO:0015356.
Familial cancer of breast. Also called: hereditary breast carcinoma; Hereditary breast cancer; BREAST CANCER, FAMILIAL. Identifiers: Orphanet 227535, MedGen C0346153, MONDO:0016419, OMIM 114480. Disease mechanism: loss of function.

Allele frequency attached by ClinVar (database versions not stated): gnomAD exomes below 0.00001.
gnomAD v4.1: 1 of 1,612,546 alleles (0.000062%); no homozygotes.

Submissions (4):

Ambry Genetics
Classification: Likely pathogenic for Hereditary cancer-predisposing syndrome. Last evaluated: 2026-03-31. Review status: criteria provided, single submitter. Criteria: Ambry Variant Classification Scheme 2023. Collection method: clinical testing. Allele origin: germline.
Comment: The c.1684+1G>T intronic variant results from a G to T substitution one nucleotide after coding exon 4 of the PALB2 gene. Alterations that disrupt the canonical splice site are expected to result in aberrant splicing. In silico splice site analysis predicts that this alteration will weaken the native splice donor site; however, direct evidence is insufficient at this time (Ambry internal data). The resulting transcript is predicted to be in-frame and is not expected to trigger nonsense-mediated mRNAdecay. The exact functional effect of the altered amino acid sequence is unknown; however, a significant portion of the protein is affected (Ambry internal data). This alteration has been described in a pediatric patient with a metastatic neuroblastoma (Pugh TJ et al, Nat Genet. 2013 Mar;45(3):279-84). Of note, this alteration is also known as c.1684+1C>A in published literature. This variant is considered to be rare based on population cohorts in the Genome Aggregation Database (gnomAD). This nucleotide position is highly conserved in available vertebrate species. Based on the majority of available evidence to date, this variant is likely to be pathogenic.

Labcorp Genetics (formerly Invitae), Labcorp
Classification: Likely pathogenic for Familial cancer of breast. Last evaluated: 2025-07-23. Review status: criteria provided, single submitter. Criteria: Invitae Variant Classification Sherloc (09022015). Collection method: clinical testing. Allele origin: germline.
Comment: This sequence change affects a donor splice site in intron 4 of the PALB2 gene. It is expected to disrupt RNA splicing. Variants that disrupt the donor or acceptor splice site typically lead to a loss of protein function (PMID: 16199547), and loss-of-function variants in PALB2 are known to be pathogenic (PMID: 17200668, 17200671, 17200672, 24136930, 25099575). This variant is not present in population databases (gnomAD no frequency). Disruption of this splice site has been observed in individual(s) with breast cancer (PMID: 37937776, 38355628). ClinVar contains an entry for this variant (Variation ID: 481027). Algorithms developed to predict the effect of sequence changes on RNA splicing suggest that this variant may disrupt the consensus splice site. In summary, the currently available evidence indicates that the variant is pathogenic, but additional data are needed to prove that conclusively. Therefore, this variant has been classified as Likely Pathogenic.

GeneDx
Classification: Likely pathogenic. Last evaluated: 2025-02-10. Review status: criteria provided, single submitter. Criteria: GeneDx Variant Classification Process June 2021. Collection method: clinical testing. Allele origin: germline. Affected: yes.
Comment: Canonical splice site variant predicted to result in aberrant splicing in a gene for which loss of function is a known mechanism of disease; Not observed at significant frequency in large population cohorts (gnomAD); This variant is associated with the following publications: (PMID: 30890586, 37937776, 22193777, 19369211, 20871615, 36493725, 23334666, 37688579, 38355628)

deCODE genetics, Amgen
Classification: Likely pathogenic for Familial cancer of breast. Last evaluated: 2023-07-21. Review status: no assertion criteria provided. Collection method: research. Allele origin: germline. Affected: yes. Observed: 2 variant alleles. Not counted in ClinVar's aggregate classification.
Comment: The variant NM_024675.4:c.1684+1G>T (chr16:23634861) in PALB2 was detected in 2 heterozygotes out of 58K WGS Icelanders (MAF= 0,002%). This variant has been reported in ClinVar previously as likely pathogenic. Based on ACMG criteria (PVS1, PM2) this variant classifies as likely pathogenic.

Literature cited by the submitters: PubMed 16199547 (cited by Labcorp Genetics (formerly Invitae), Labcorp); PubMed 17200668 (cited by Labcorp Genetics (formerly Invitae), Labcorp); PubMed 17200671 (cited by Labcorp Genetics (formerly Invitae), Labcorp); PubMed 17200672 (cited by Labcorp Genetics (formerly Invitae), Labcorp); PubMed 24136930 (cited by Labcorp Genetics (formerly Invitae), Labcorp); PubMed 25099575 (cited by Labcorp Genetics (formerly Invitae), Labcorp); PubMed 37937776 (cited by Labcorp Genetics (formerly Invitae), Labcorp); PubMed 38355628 (cited by Labcorp Genetics (formerly Invitae), Labcorp).

NM_024675.4(PALB2):c.1684+1G>T

Gene: PALB2 (partner and localizer of BRCA2; minus strand). Cytogenetic location: 16p12.2.
Variant type: single nucleotide variant.
Coding change: c.1684+1G>T on transcript NM_024675.4 (MANE Select); the canonical splice donor site of the intron after coding-DNA position 1684, G replaced by T.
Molecular consequence: splice donor variant. On other transcripts: intron variant (3).
Genome position (GRCh38, 1-based): chr16:23,634,861, C>A on the plus strand (G>T on the coding strand, the complement: PALB2 is on the minus strand). VCF-style: chr16-23634861-C-A. GRCh37 (hg19) VCF-style: chr16-23646182-C-A.
Other names: c.799+1G>T (NM_001407308.1, NM_001407306.1, NM_001407307.1 and 5 more transcripts); c.49-5586G>T (NM_001407314.1); c.-104-4392G>T (NM_001407313.1, NM_001407312.1); c.1624+1G>T (NM_001407296.1); c.1684+1G>T (NM_001407297.1, NM_001407302.1, NM_001407298.1 and 3 more transcripts).
Identifiers: ClinVar variation 481027 (VCV000481027.31), dbSNP rs1555461148, ClinGen allele CA395129863.